The following is an entry in ClinVar:

NM_000093.5(COL5A1):c.3007-18C>G

Gene: COL5A1 (collagen type V alpha 1 chain; plus strand). Cytogenetic location: 9q34.3.
Variant type: single nucleotide variant.
Coding change: c.3007-18C>G on transcript NM_000093.5 (MANE Select); 18 bases into the intron before coding-DNA position 3007, C replaced by G.
Molecular consequence: intron variant.
Genome position (GRCh38, 1-based): chr9:134,802,870, C>G. VCF-style: chr9-134802870-C-G. GRCh37 (hg19) VCF-style: chr9-137694716-C-G.
Other names: c.3007-18C>G (NM_001278074.1).
Identifiers: ClinVar variation 510095 (VCV000510095.1), dbSNP rs775358866, ClinGen allele CA658797346.

ClinVar aggregate classification (germline): Likely benign (1 of 4 stars; one submission).

Submission:

GeneDx
Classification: Likely benign. Last evaluated: 2017-06-12. Review status: criteria provided, single submitter. Criteria: GeneDx Variant Classification (06012015). Collection method: clinical testing. Allele origin: germline. Affected: yes.
Comment: This variant is considered likely benign or benign based on one or more of the following criteria: it is a conservative change, it occurs at a poorly conserved position in the protein, it is predicted to be benign by multiple in silico algorithms, and/or has population frequency not consistent with disease.